The following is an entry in ClinVar:

ClinVar aggregate classification (germline): Uncertain significance (1 of 4 stars; one submission).

gnomAD v4.1: 1 of 1,548,668 alleles (0.000065%); highest among the groups gnomAD compares: Non-Finnish European, 0.000087%; no homozygotes.

Submission:

GeneDx
Classification: Uncertain significance. Last evaluated: 2022-10-17. Review status: criteria provided, single submitter. Criteria: GeneDx Variant Classification Process June 2021. Collection method: clinical testing. Allele origin: germline. Affected: yes.
Comment: Not observed at significant frequency in large population cohorts (gnomAD); In silico analysis supports that this missense variant has a deleterious effect on protein structure/function; Has not been previously published as pathogenic or benign to our knowledge

NM_006265.3(RAD21):c.716G>T (p.Gly239Val)

Gene: RAD21 (RAD21 cohesin complex component; minus strand). Cytogenetic location: 8q24.11.
Variant type: single nucleotide variant.
Coding change: c.716G>T on transcript NM_006265.3 (MANE Select); coding-DNA position 716, G replaced by T.
Protein change: p.Gly239Val; replaces glycine 239 with valine.
Molecular consequence: missense variant.
Genome position (GRCh38, 1-based): chr8:116,856,744, C>A on the plus strand (G>T on the coding strand, the complement: RAD21 is on the minus strand). VCF-style: chr8-116856744-C-A. GRCh37 (hg19) VCF-style: chr8-117868983-C-A.
Other names: short protein forms G239V.
Identifiers: ClinVar variation 2499396 (VCV002499396.1), dbSNP rs2537296815, ClinGen allele CA372005374.